The following is an entry in ClinVar:

ClinVar aggregate classification (germline): Likely benign (1 of 4 stars; one submission).

Submission:

CeGaT Center for Human Genetics Tuebingen
Classification: Likely benign. Last evaluated: 2024-11-01. Review status: criteria provided, single submitter. Criteria: CeGaT Center For Human Genetics Tuebingen Variant Classification Criteria Version 2. Collection method: clinical testing. Allele origin: germline. Affected: yes. Observed: 1 variant allele.
Comment: MYCN: PM2:Supporting, BP4, BP7

NM_005378.6(MYCN):c.1365A>G (p.Leu455=)

Gene: MYCN (MYCN proto-oncogene, bHLH transcription factor; plus strand). Cytogenetic location: 2p24.3.
Variant type: single nucleotide variant.
Coding change: c.1365A>G on transcript NM_005378.6 (MANE Select); coding-DNA position 1365, A replaced by G.
Protein change: p.Leu455=; no amino-acid change (leucine 455 retained).
Molecular consequence: synonymous variant. On other transcripts: 3 prime UTR variant (1).
Genome position (GRCh38, 1-based): chr2:15,946,067, A>G. VCF-style: chr2-15946067-A-G. GRCh37 (hg19) VCF-style: chr2-16086189-A-G.
Other names: c.1365A>G, p.Leu455= (NM_001293228.2); c.732A>G, p.Leu244= (NM_001293231.2); c.*1300A>G (NM_001293233.2).
Identifiers: ClinVar variation 3389394 (VCV003389394.14).
Genomic context (GRCh38, chr2:15,946,067, plus strand): 5'-CGAGGAGCACCAGCTTTTGCTGGAAAAGGAAAAATTGCAGGCAAGACAGCAGCAGTTGCT[A>G]AAGAAAATTGAACACGCTCGGACTTGCTAGACGCTTCTCAAAACTGGACAGTCACTGCCA-3'
Protein context (NP_005369.2, residues 445-464): EKLQARQQQL[Leu455=]KKIEHARTC